The following is an entry in ClinVar:

ClinVar aggregate classification (germline): Uncertain significance (1 of 4 stars; one submission).

Submission:

Ambry Genetics
Classification: Uncertain significance. Last evaluated: 2024-09-06. Review status: criteria provided, single submitter. Criteria: Ambry Variant Classification Scheme 2023. Collection method: clinical testing. Allele origin: germline.
Comment: The p.N1166I variant (also known as c.3497A>T), located in coding exon 17 of the NPAT gene, results from an A to T substitution at nucleotide position 3497. The asparagine at codon 1166 is replaced by isoleucine, an amino acid with dissimilar properties. This amino acid position is conserved. In addition, this alteration is predicted to be tolerated by in silico analysis. Based on the available evidence, the clinical significance of this variant remains unclear.

NM_002519.3(NPAT):c.3497A>T (p.Asn1166Ile)

Gene: NPAT (nuclear protein, coactivator of histone transcription; minus strand). Cytogenetic location: 11q22.3.
Variant type: single nucleotide variant.
Coding change: c.3497A>T on transcript NM_002519.3 (MANE Select); coding-DNA position 3497, A replaced by T.
Protein change: p.Asn1166Ile; replaces asparagine 1166 with isoleucine.
Molecular consequence: missense variant.
Genome position (GRCh38, 1-based): chr11:108,161,589, T>A on the plus strand (A>T on the coding strand, the complement: NPAT is on the minus strand). VCF-style: chr11-108161589-T-A. GRCh37 (hg19) VCF-style: chr11-108032316-T-A.
Other names: c.3518A>T, p.Asn1173Ile (NM_001321307.1); short protein forms N1166I, N1173I.
Identifiers: ClinVar variation 3407208 (VCV003407208.1).
Genomic context (GRCh38, chr11:108,161,589, plus strand): 5'-AGTTTTGAATTTTCTGGATTTTTCTGTCTTTCTACATCGCTGCATAATTCATTCTCCTTA[T>A]TAGCTGTTGCTTTATGGAAAGATTCAAGCACAATTTCTGTTGGTGAAACTTTCTTTTCTG-3'
Protein context (NP_002510.2, residues 1156-1176): VLESFHKATA[Asn1166Ile]KENELCSDVE